The following is an entry in ClinVar:

NM_001256317.3(TMPRSS3):c.317G>A (p.Arg106His)

Gene: TMPRSS3 (transmembrane serine protease 3; minus strand). Cytogenetic location: 21q22.3.
Variant type: single nucleotide variant.
Coding change: c.317G>A on transcript NM_001256317.3 (MANE Select); coding-DNA position 317, G replaced by A.
Protein change: p.Arg106His; replaces arginine 106 with histidine.
Molecular consequence: missense variant. On other transcripts: 5 prime UTR variant (1).
Genome position (GRCh38, 1-based): chr21:42,388,934, C>T on the plus strand (G>A on the coding strand, the complement: TMPRSS3 is on the minus strand). VCF-style: chr21-42388934-C-T. GRCh37 (hg19) VCF-style: chr21-43809043-C-T.
Other names: c.317G>A, p.Arg106His (NM_024022.4, NM_032405.2); c.-65G>A (NM_032404.3); short protein forms R106H.
Identifiers: ClinVar variation 1254208 (VCV001254208.8), dbSNP rs200028529, ClinGen allele CA10042684.

ClinVar aggregate classification (germline): Uncertain significance. Review status: criteria provided, multiple submitters, no conflicts (2 of 4 stars). 3 submissions from 3 submitters: Uncertain significance (3). Last evaluated 2024-12-18.

Conditions:
Inborn genetic diseases. Identifiers: MedGen C0950123, MeSH D030342.

Allele frequency attached by ClinVar (database versions not stated): TOPMed 0.00004; gnomAD exomes 0.00010 and 0.00012; ExAC 0.00015; ESP Exome Variant Server 0.00015; gnomAD 0.00015 and 0.00016.

Submissions (3):

GeneDx
Classification: Uncertain significance. Last evaluated: 2024-12-18. Review status: criteria provided, single submitter. Criteria: GeneDx Variant Classification Process June 2021. Collection method: clinical testing. Allele origin: germline. Affected: yes.
Comment: In silico analysis supports that this missense variant does not alter protein structure/function; Has not been previously published as pathogenic or benign to our knowledge

Blueprint Genetics
Classification: Uncertain significance. Last evaluated: 2024-09-02. Review status: criteria provided, single submitter. Criteria: ACMG Guidelines, 2015. Collection method: clinical testing. Allele origin: germline.

Ambry Genetics
Classification: Uncertain significance for Inborn genetic diseases. Last evaluated: 2022-12-13. Review status: criteria provided, single submitter. Criteria: Ambry Variant Classification Scheme 2023. Collection method: clinical testing. Allele origin: germline.